The following is an entry in ClinVar:

ClinVar aggregate classification (germline): Uncertain significance (1 of 4 stars; one submission).

gnomAD v4.1: 1 of 1,613,532 alleles (0.000062%); highest among the groups gnomAD compares: Non-Finnish European, 0.000085%; no homozygotes.

Submission:

GeneDx
Classification: Uncertain significance. Last evaluated: 2025-01-24. Review status: criteria provided, single submitter. Criteria: GeneDx Variant Classification Process June 2021. Collection method: clinical testing. Allele origin: germline.
Comment: Not observed at significant frequency in large population cohorts (gnomAD); In silico analysis supports that this missense variant has a deleterious effect on protein structure/function; Has not been previously published as pathogenic or benign to our knowledge

NM_006618.5(KDM5B):c.1534C>G (p.His512Asp)

Gene: KDM5B (lysine demethylase 5B; minus strand). Cytogenetic location: 1q32.1.
Variant type: single nucleotide variant.
Coding change: c.1534C>G on transcript NM_006618.5 (MANE Select); coding-DNA position 1534, C replaced by G.
Protein change: p.His512Asp; replaces histidine 512 with aspartic acid.
Molecular consequence: missense variant.
Genome position (GRCh38, 1-based): chr1:202,755,275, G>C on the plus strand (C>G on the coding strand, the complement: KDM5B is on the minus strand). VCF-style: chr1-202755275-G-C. GRCh37 (hg19) VCF-style: chr1-202724403-G-C.
Other names: c.1642C>G, p.His548Asp (NM_001314042.2); c.1399C>G, p.His467Asp (NM_001347591.2); c.1519C>G, p.His507Asp (NM_001399817.1); short protein forms H467D, H507D, H512D, H548D.
Identifiers: ClinVar variation 3362152 (VCV003362152.2).
Genomic context (GRCh38, chr1:202,755,275, plus strand): 5'-AAAGTTTTCCTATCCAGCATGCATACTACTCATGGGTTCTTTTTGGAACTTCTCACCAGT[G>C]CAAGTAGTTAATTGAATAGCTCCAGTGGTCTTCAATGTGCCAACAGAATGAAGAAAAGCA-3'
Protein context (NP_006609.3, residues 502-522): DHWSYSINYL[His512Asp]WGEPKTWYGV